The following is an entry in ClinVar:

ClinVar aggregate classification (germline): Conflicting classifications of pathogenicity. Review status: criteria provided, conflicting classifications (1 of 4 stars). 7 submissions from 7 submitters: Uncertain significance (3); Likely benign (3). 1 of the submissions does not count toward it. Last evaluated 2026-05-20.

Conditions:
Marfan syndrome (MFS). Also called: MARFAN SYNDROME, TYPE I; FBN1-Related Marfan Syndrome; Marfan syndrome, classic; Marfan syndrome type 1; Marfan's syndrome. Identifiers: Orphanet 284963, Orphanet 558, MedGen C0024796, MONDO:0007947, OMIM 154700.
Familial thoracic aortic aneurysm and aortic dissection (TAAD). Also called: Thoracic aortic aneurysms and dissections. Identifiers: Orphanet 91387, MedGen C4707243, MONDO:0019625.

Allele frequency attached by ClinVar (database versions not stated): 1000 Genomes Project 0.00020; gnomAD 0.00001; TOPMed 0.00001; ExAC 0.00004; gnomAD exomes 0.00004 and 0.00003; 1000 Genomes Project 30x 0.00016.
gnomAD v4.1: 46 of 1,614,206 alleles (0.0028%); highest among the groups gnomAD compares: South Asian, 0.0044%; no homozygotes.

Submissions (7):

Ambry Genetics
Classification: Likely benign for Familial thoracic aortic aneurysm and aortic dissection. Last evaluated: 2026-05-20. Review status: criteria provided, single submitter. Criteria: Ambry Variant Classification Scheme 2023. Collection method: clinical testing. Allele origin: germline.

Labcorp Genetics (formerly Invitae), Labcorp
Classification: Likely benign for Marfan syndrome; Familial thoracic aortic aneurysm and aortic dissection. Last evaluated: 2025-11-11. Review status: criteria provided, single submitter. Criteria: Invitae Variant Classification Sherloc (09022015). Collection method: clinical testing. Allele origin: germline.

Color Diagnostics, LLC DBA Color Health
Classification: Likely benign for Familial thoracic aortic aneurysm and aortic dissection. Last evaluated: 2024-04-12. Review status: criteria provided, single submitter. Criteria: ACMG Guidelines, 2015. Collection method: clinical testing. Allele origin: germline.

All of Us Research Program, National Institutes of Health
Classification: Uncertain significance for Marfan syndrome. Last evaluated: 2023-12-01. Review status: criteria provided, single submitter. Criteria: ACMG Guidelines, 2015. Collection method: clinical testing. Allele origin: germline. Inheritance: Autosomal dominant inheritance. Observed: 4 variant alleles, 4 heterozygotes.
Comment: This missense variant replaces arginine with glutamine at codon 2726 of the FBN1 protein. Computational prediction suggests that this variant may not impact protein structure and function (internally defined REVEL score threshold <= 0.5, PMID: 27666373). To our knowledge, functional studies have not been reported for this variant. This variant has not been reported in individuals affected with cardiovascular disorders in the literature. This variant has been identified in 11/251462 chromosomes in the general population by the Genome Aggregation Database (gnomAD). The available evidence is insufficient to determine the role of this variant in disease conclusively. Therefore, this variant is classified as a Variant of Uncertain Significance.

This study involves interpretation of variants in research participants for the purpose of population health screening. Participant phenotype was not available at the time of variant classification. Additional details can be found in publication PMID: 35346344, PMCID: PMC8962531

Women's Health and Genetics/Laboratory Corporation of America, LabCorp
Classification: Uncertain significance. Last evaluated: 2023-05-15. Review status: criteria provided, single submitter. Criteria: LabCorp Variant Classification Summary - May 2015. Collection method: clinical testing. Allele origin: germline.
Comment: Variant summary: FBN1 c.8177G>A (p.Arg2726Gln) results in a conservative amino acid change in the encoded protein sequence. Four of five in-silico tools predict a benign effect of the variant on protein function. The variant allele was found at a frequency of 4.4e-05 in 251462 control chromosomes (gnomAD). This frequency is not significantly higher than estimated for a pathogenic variant in FBN1 causing Marfan Syndrome (4.4e-05 vs 0.00011), allowing no conclusion about variant significance. To our knowledge, no occurrence of c.8177G>A in individuals affected with Marfan Syndrome and no experimental evidence demonstrating its impact on protein function have been reported. Four clinical diagnostic laboratories have submitted clinical-significance assessments for this variant to ClinVar after 2014 and classified it as VUS (n=3) or likely benign (n=1). Based on the evidence outlined above, the variant was classified as uncertain significance.

GeneDx
Classification: Uncertain significance. Last evaluated: 2022-09-27. Review status: criteria provided, single submitter. Criteria: GeneDx Variant Classification Process June 2021. Collection method: clinical testing. Allele origin: germline. Affected: yes.
Comment: In silico analysis supports that this missense variant does not alter protein structure/function; Has not been previously published as pathogenic or benign to our knowledge; Does not affect a cysteine residue within a calcium-binding EGF-like domain or a TGF-binding protein domain of the FBN1 gene; cysteine substitutions in the calcium-binding EGF-like domains represent the majority of pathogenic missense changes associated with FBN1-related disorders (Collod-Beroud et al., 2003); This variant is associated with the following publications: (PMID: 12938084)

Center for Medical Genetics Ghent, University of Ghent
Classification: Uncertain significance for Marfan syndrome. Last evaluated: 2017-11-07. Review status: no assertion criteria provided. Collection method: clinical testing. Allele origin: de novo. Affected: yes. Not counted in ClinVar's aggregate classification.

NM_000138.5(FBN1):c.8177G>A (p.Arg2726Gln)

Gene: FBN1 (fibrillin 1; minus strand). Cytogenetic location: 15q21.1.
Variant type: single nucleotide variant.
Coding change: c.8177G>A on transcript NM_000138.5 (MANE Select); coding-DNA position 8177, G replaced by A.
Protein change: p.Arg2726Gln; replaces arginine 2726 with glutamine.
Molecular consequence: missense variant.
Genome position (GRCh38, 1-based): chr15:48,412,618, C>T on the plus strand (G>A on the coding strand, the complement: FBN1 is on the minus strand). VCF-style: chr15-48412618-C-T. GRCh37 (hg19) VCF-style: chr15-48704815-C-T.
Other names: short protein forms R2726Q.
Identifiers: ClinVar variation 237107 (VCV000237107.16), dbSNP rs552157433, ClinGen allele CA059722.